The following is an entry in ClinVar:

NM_001042492.3(NF1):c.6548G>C (p.Arg2183Pro)

Gene: NF1 (neurofibromin 1; plus strand). Cytogenetic location: 17q11.2.
Variant type: single nucleotide variant.
Coding change: c.6548G>C on transcript NM_001042492.3 (MANE Select); coding-DNA position 6548, G replaced by C.
Protein change: p.Arg2183Pro; replaces arginine 2183 with proline.
Molecular consequence: missense variant.
Genome position (GRCh38, 1-based): chr17:31,337,488, G>C. VCF-style: chr17-31337488-G-C. GRCh37 (hg19) VCF-style: chr17-29664506-G-C.
Other names: c.6485G>C, p.Arg2162Pro (NM_000267.4); short protein forms R2162P, R2183P.
Identifiers: ClinVar variation 963300 (VCV000963300.7), dbSNP rs2069706142, ClinGen allele CA399013255.

ClinVar aggregate classification (germline): Uncertain significance. Review status: criteria provided, multiple submitters, no conflicts (2 of 4 stars). 2 submissions from 2 submitters: Uncertain significance (2). Last evaluated 2024-07-11.

Conditions:
Hereditary cancer-predisposing syndrome. Also called: Hereditary neoplastic syndrome; Tumor predisposition; Neoplastic Syndromes, Hereditary; Hereditary Cancer Syndrome. Identifiers: Orphanet 140162, MedGen C0027672, MeSH D009386, MONDO:0015356.
Cardiovascular phenotype. Identifiers: MedGen CN230736.
Neurofibromatosis, type 1 (NF1). Also called: Peripheral type neurofibromatosis; VON RECKLINGHAUSEN DISEASE; NEUROFIBROMATOSIS, TYPE I, SOMATIC; Neurofibromatosis, type I. Identifiers: Orphanet 636, MedGen C0027831, MONDO:0018975, OMIM 162200. Disease mechanism: loss of function.

Submissions (2):

Ambry Genetics
Classification: Uncertain significance for Cardiovascular phenotype; Hereditary cancer-predisposing syndrome. Last evaluated: 2024-07-11. Review status: criteria provided, single submitter. Criteria: Ambry Variant Classification Scheme 2023. Collection method: clinical testing. Allele origin: germline.
Comment: The p.R2162P variant (also known as c.6485G>C), located in coding exon 42 of the NF1 gene, results from a G to C substitution at nucleotide position 6485. The arginine at codon 2162 is replaced by proline, an amino acid with dissimilar properties. This amino acid position is conserved. In addition, the in silico prediction for this alteration is inconclusive. Based on the available evidence, the clinical significance of this variant remains unclear.

Labcorp Genetics (formerly Invitae), Labcorp
Classification: Uncertain significance for Neurofibromatosis, type 1. Last evaluated: 2022-07-22. Review status: criteria provided, single submitter. Criteria: Invitae Variant Classification Sherloc (09022015). Collection method: clinical testing. Allele origin: germline.
Comment: In summary, the available evidence is currently insufficient to determine the role of this variant in disease. Therefore, it has been classified as a Variant of Uncertain Significance. Advanced modeling of protein sequence and biophysical properties (such as structural, functional, and spatial information, amino acid conservation, physicochemical variation, residue mobility, and thermodynamic stability) performed at Invitae indicates that this missense variant is expected to disrupt NF1 protein function. ClinVar contains an entry for this variant (Variation ID: 963300). This variant has not been reported in the literature in individuals affected with NF1-related conditions. This variant is not present in population databases (gnomAD no frequency). This sequence change replaces arginine, which is basic and polar, with proline, which is neutral and non-polar, at codon 2162 of the NF1 protein (p.Arg2162Pro).